The following is an entry in ClinVar:

NM_020778.5(ALPK3):c.842_843insT (p.Glu283fs)

Gene: ALPK3 (alpha kinase 3; plus strand). Cytogenetic location: 15q25.3.
Variant type: Insertion.
Coding change: c.842_843insT on transcript NM_020778.5 (MANE Select); coding-DNA positions 842 to 843, T inserted.
Protein change: p.Glu283fs; shifts the reading frame from glutamic acid 283.
Molecular consequence: frameshift variant.
Genome position: GRCh38 VCF-style: chr15-84840121-C-CT. GRCh37 (hg19) VCF-style: chr15-85383352-C-CT.
Other names: short protein forms E283fs.
Identifiers: ClinVar variation 2800962 (VCV002800962.3), dbSNP rs2505705529, ClinGen allele CA2630109264.
Genomic context (GRCh38, chr15:84,840,121, plus strand): 5'-CAGGTTTGGGCCTGATCAACAGTTTTGCTTCTGGAGAAGTGACCACCAACGGGGAGGCTG[C>CT]CCCCGAGAATGGAGAGGACGGAGAGCATGGCTTGCTGACATACATCTGTGACGCCATGGA-3'

ClinVar aggregate classification (germline): Pathogenic (1 of 4 stars; one submission).

Allele frequency attached by ClinVar (database versions not stated): gnomAD exomes below 0.00001.

Submission:

Labcorp Genetics (formerly Invitae), Labcorp
Classification: Pathogenic. Last evaluated: 2023-05-04. Review status: criteria provided, single submitter. Criteria: Invitae Variant Classification Sherloc (09022015). Collection method: clinical testing. Allele origin: germline.
Comment: This variant has not been reported in the literature in individuals affected with ALPK3-related conditions. For these reasons, this variant has been classified as Pathogenic. This variant is not present in population databases (gnomAD no frequency). This sequence change creates a premature translational stop signal (p.Glu485Argfs*16) in the ALPK3 gene. It is expected to result in an absent or disrupted protein product. Loss-of-function variants in ALPK3 are known to be pathogenic (PMID: 21441111, 26846950, 27106955, 34263907).

Literature cited by the submitters: PubMed 21441111; PubMed 26846950; PubMed 27106955; PubMed 34263907.